The following is an entry in ClinVar:

ClinVar aggregate classification (germline): Likely benign. Review status: criteria provided, single submitter (1 of 4 stars). 2 submissions from 2 submitters: Likely benign (1). 1 of the submissions does not count toward it. Last evaluated 2024-03-13.

Conditions:
TG-related disorder. Also called: TG-related disorders; TG-related condition.

Allele frequency attached by ClinVar (database versions not stated): gnomAD exomes 0.00001.
gnomAD v4.1: 10 of 1,614,136 alleles (0.00062%); highest among the groups gnomAD compares: Middle Eastern, 0.05%; 1 homozygote.

Submissions (2):

Labcorp Genetics (formerly Invitae), Labcorp
Classification: Likely benign. Last evaluated: 2024-03-13. Review status: criteria provided, single submitter. Criteria: Invitae Variant Classification Sherloc (09022015). Collection method: clinical testing. Allele origin: germline.

PreventionGenetics, part of Exact Sciences
Classification: Likely benign for TG-related condition. Last evaluated: 2019-05-29. Review status: no assertion criteria provided. Collection method: clinical testing. Allele origin: germline. Not counted in ClinVar's aggregate classification.
Comment: This variant is classified as likely benign based on ACMG/AMP sequence variant interpretation guidelines (Richards et al. 2015 PMID: 25741868, with internal and published modifications).

NM_003235.5(TG):c.4461C>T (p.Ser1487=)

Gene: TG (thyroglobulin; plus strand). Cytogenetic location: 8q24.22.
Variant type: single nucleotide variant.
Coding change: c.4461C>T on transcript NM_003235.5 (MANE Select); coding-DNA position 4461, C replaced by T.
Protein change: p.Ser1487=; no amino-acid change (serine 1487 retained).
Molecular consequence: synonymous variant.
Genome position (GRCh38, 1-based): chr8:132,919,458, C>T. VCF-style: chr8-132919458-C-T. GRCh37 (hg19) VCF-style: chr8-133931703-C-T.
Other names: c.4461C>T (NM_003235.4).
Identifiers: ClinVar variation 2969307 (VCV002969307.5), dbSNP rs1346710682, ClinGen allele CA463012642.
Genomic context (GRCh38, chr8:132,919,458, plus strand): 5'-TTCCCAAGATGAGGAATGCATTCCTTGTCCTGTTGGATTCTACCAAGAACAGGCAGGGAG[C>T]TTGGCCTGTGTCCCATGTCCTGTGGGCAGAACGACCATTTCTGCTGGAGCTTTCAGCCAG-3'
Protein context (NP_003226.4, residues 1477-1497): PVGFYQEQAG[Ser1487=]LACVPCPVGR